The following is an entry in ClinVar:

NM_016013.4(NDUFAF1):c.692A>G (p.Gln231Arg)

Gene: NDUFAF1 (NADH:ubiquinone oxidoreductase complex assembly factor 1; minus strand). Cytogenetic location: 15q15.1.
Variant type: single nucleotide variant.
Coding change: c.692A>G on transcript NM_016013.4 (MANE Select); coding-DNA position 692, A replaced by G.
Protein change: p.Gln231Arg; replaces glutamine 231 with arginine.
Molecular consequence: missense variant. On other transcripts: non-coding transcript variant (1).
Genome position (GRCh38, 1-based): chr15:41,394,926, T>C on the plus strand (A>G on the coding strand, the complement: NDUFAF1 is on the minus strand). VCF-style: chr15-41394926-T-C. GRCh37 (hg19) VCF-style: chr15-41687124-T-C.
Other names: short protein forms Q231R.
Identifiers: ClinVar variation 1302924 (VCV001302924.3), dbSNP rs149257811, ClinGen allele CA7491279.

ClinVar aggregate classification (germline): Uncertain significance. Review status: criteria provided, multiple submitters, no conflicts (2 of 4 stars). 2 submissions from 2 submitters: Uncertain significance (2). Last evaluated 2025-09-25.

Allele frequency attached by ClinVar (database versions not stated): gnomAD exomes 0.00004 and 0.00012; ExAC 0.00013; 1000 Genomes Project 0.00020; 1000 Genomes Project 30x 0.00031; ESP Exome Variant Server 0.00038; gnomAD 0.00041 and 0.00046; TOPMed 0.00049.
gnomAD v4.1: 125 of 1,614,184 alleles (0.0077%); highest among the groups gnomAD compares: African/African-American, 0.16%; 1 homozygote.

Submissions (2):

Labcorp Genetics (formerly Invitae), Labcorp
Classification: Uncertain significance. Last evaluated: 2025-09-25. Review status: criteria provided, single submitter. Criteria: Invitae Variant Classification Sherloc (09022015). Collection method: clinical testing. Allele origin: germline.
Comment: This sequence change replaces glutamine, which is neutral and polar, with arginine, which is basic and polar, at codon 231 of the NDUFAF1 protein (p.Gln231Arg). This variant is present in population databases (rs149257811, gnomAD 0.1%), and has an allele count higher than expected for a pathogenic variant. This variant has not been reported in the literature in individuals affected with NDUFAF1-related conditions. ClinVar contains an entry for this variant (Variation ID: 1302924). An algorithm developed to predict the effect of missense changes on protein structure and function (PolyPhen-2) suggests that this variant is likely to be disruptive. In summary, the available evidence is currently insufficient to determine the role of this variant in disease. Therefore, it has been classified as a Variant of Uncertain Significance.

GeneDx
Classification: Uncertain significance. Last evaluated: 2021-06-29. Review status: criteria provided, single submitter. Criteria: GeneDx Variant Classification Process June 2021. Collection method: clinical testing. Allele origin: germline. Affected: yes.
Comment: Has not been previously published as pathogenic or benign to our knowledge; In silico analysis supports that this missense variant does not alter protein structure/function; This variant is associated with the following publications: (PMID: 27535533)